The following is an entry in ClinVar:

NM_000038.6(APC):c.6044A>C (p.Glu2015Ala)

Gene: APC (APC regulator of Wnt signaling pathway; plus strand). Cytogenetic location: 5q22.2.
Variant type: single nucleotide variant.
Coding change: c.6044A>C on transcript NM_000038.6 (MANE Select); coding-DNA position 6044, A replaced by C.
Protein change: p.Glu2015Ala; replaces glutamic acid 2015 with alanine.
Molecular consequence: missense variant.
Genome position (GRCh38, 1-based): chr5:112,841,638, A>C. VCF-style: chr5-112841638-A-C. GRCh37 (hg19) VCF-style: chr5-112177335-A-C.
Other names: c.5795A>C, p.Glu1932Ala (NM_001407455.1, NM_001407456.1, NM_001407457.1 and 1 more transcripts); c.5741A>C, p.Glu1914Ala (NM_001407458.1, NM_001407459.1, NM_001407460.1 and 1 more transcripts); c.5657A>C, p.Glu1886Ala (NM_001407467.1, NM_001407469.1); c.5195A>C, p.Glu1732Ala (NM_001407470.1, NM_001354906.2); c.4892A>C, p.Glu1631Ala (NM_001407471.1, NM_001407472.1); c.6044A>C, p.Glu2015Ala (NM_001127510.3, NM_001354895.2, NM_001407450.1); c.5990A>C, p.Glu1997Ala (NM_001127511.3); c.6098A>C, p.Glu2033Ala (NM_001354896.2, NM_001407447.1, NM_001407448.1 and 1 more transcripts); and 11 more; short protein forms E1631A, E1932A, E1974A, E2025A, E1855A, E1990A, E2043A, E1732A.
Identifiers: ClinVar variation 1751248 (VCV001751248.5), dbSNP rs2149955596, ClinGen allele CA16034555.

ClinVar aggregate classification (germline): Uncertain significance. Review status: criteria provided, multiple submitters, no conflicts (2 of 4 stars). 2 submissions from 2 submitters: Uncertain significance (2). Last evaluated 2023-06-15.

Conditions:
Hereditary cancer-predisposing syndrome. Also called: Hereditary Cancer Syndrome; Hereditary neoplastic syndrome; Neoplastic Syndromes, Hereditary; Tumor predisposition. Identifiers: Orphanet 140162, MedGen C0027672, MeSH D009386, MONDO:0015356.
Familial adenomatous polyposis 1 (FAP1). Also called: FAMILIAL ADENOMATOUS POLYPOSIS 1, ATTENUATED; POLYPOSIS, ADENOMATOUS INTESTINAL. Identifiers: MedGen C2713442, MONDO:0021056, OMIM 175100. Disease mechanism: loss of function.

Submissions (2):

Labcorp Genetics (formerly Invitae), Labcorp
Classification: Uncertain significance for Familial adenomatous polyposis 1. Last evaluated: 2023-06-15. Review status: criteria provided, single submitter. Criteria: Invitae Variant Classification Sherloc (09022015). Collection method: clinical testing. Allele origin: germline.
Comment: In summary, the available evidence is currently insufficient to determine the role of this variant in disease. Therefore, it has been classified as a Variant of Uncertain Significance. Advanced modeling of protein sequence and biophysical properties (such as structural, functional, and spatial information, amino acid conservation, physicochemical variation, residue mobility, and thermodynamic stability) performed at Invitae indicates that this missense variant is not expected to disrupt APC protein function. ClinVar contains an entry for this variant (Variation ID: 1751248). This variant has not been reported in the literature in individuals affected with APC-related conditions. This variant is not present in population databases (gnomAD no frequency). This sequence change replaces glutamic acid, which is acidic and polar, with alanine, which is neutral and non-polar, at codon 2015 of the APC protein (p.Glu2015Ala).

Ambry Genetics
Classification: Uncertain significance for Hereditary cancer-predisposing syndrome. Last evaluated: 2020-08-14. Review status: criteria provided, single submitter. Criteria: Ambry Variant Classification Scheme 2023. Collection method: clinical testing. Allele origin: germline.
Comment: The p.E2015A variant (also known as c.6044A>C), located in coding exon 15 of the APC gene, results from an A to C substitution at nucleotide position 6044. The glutamic acid at codon 2015 is replaced by alanine, an amino acid with dissimilar properties. This amino acid position is highly conserved in available vertebrate species. In addition, in silico predictors for this gene do not accurately predict pathogenicity. Since supporting evidence is limited at this time, the clinical significance of this alteration remains unclear.